The following is an entry in ClinVar:

NM_001846.4(COL4A2):c.1453T>C (p.Cys485Arg)

Genes: COL4A2 (collagen type IV alpha 2 chain; plus strand), COL4A2-AS2 (COL4A2 antisense RNA 2; minus strand). Cytogenetic location: 13q34.
Variant type: single nucleotide variant.
Coding change: c.1453T>C on transcript NM_001846.4 (MANE Select); coding-DNA position 1453, T replaced by C.
Protein change: p.Cys485Arg; replaces cysteine 485 with arginine.
Molecular consequence: missense variant.
Genome position (GRCh38, 1-based): chr13:110,458,791, T>C. VCF-style: chr13-110458791-T-C. GRCh37 (hg19) VCF-style: chr13-111111138-T-C.
Other names: short protein forms C485R.
Identifiers: ClinVar variation 2982920 (VCV002982920.3), dbSNP rs369804330, ClinGen allele CA7049602.

ClinVar aggregate classification (germline): Uncertain significance (1 of 4 stars; one submission).

Allele frequency attached by ClinVar (database versions not stated): gnomAD exomes 0.00001; ExAC 0.00002; ESP Exome Variant Server 0.00008; gnomAD 0.00002; TOPMed 0.00002.
gnomAD v4.1: 19 of 1,613,886 alleles (0.0012%); highest among the groups gnomAD compares: Admixed American, 0.01%; no homozygotes.

Submission:

Labcorp Genetics (formerly Invitae), Labcorp
Classification: Uncertain significance. Last evaluated: 2025-03-16. Review status: criteria provided, single submitter. Criteria: Invitae Variant Classification Sherloc (09022015). Collection method: clinical testing. Allele origin: germline.
Comment: This sequence change replaces cysteine, which is neutral and slightly polar, with arginine, which is basic and polar, at codon 485 of the COL4A2 protein (p.Cys485Arg). This variant is present in population databases (rs369804330, gnomAD 0.01%). This variant has not been reported in the literature in individuals affected with COL4A2-related conditions. ClinVar contains an entry for this variant (Variation ID: 2982920). Invitae Evidence Modeling of protein sequence and biophysical properties (such as structural, functional, and spatial information, amino acid conservation, physicochemical variation, residue mobility, and thermodynamic stability) indicates that this missense variant is not expected to disrupt COL4A2 protein function with a negative predictive value of 80%. In summary, the available evidence is currently insufficient to determine the role of this variant in disease. Therefore, it has been classified as a Variant of Uncertain Significance.